The following is an entry in ClinVar:

ClinVar aggregate classification (germline): Pathogenic (1 of 4 stars; one submission).

Submission:

Illumina Laboratory Services, Illumina
Classification: Pathogenic. Last evaluated: 2021-05-25. Review status: criteria provided, single submitter. Criteria: ICSL CNVClassificationCriteria Aug2020. Collection method: clinical testing. Allele origin: unknown.
Comment: This CNV is a 23 kb deletion of 16p13.3 on chromosome 16, (seq[GRCH37]del(16)(p13.3); chr16:g.212275_234987del) that is inherited. This CNV constitutes a loss encompassing four protein-coding genes, HBM, HBA1, HBA2, and HBQ1, and overlaps the well-described, "Southeast Asian" (or SEA) alpha(0)-thalassemia deletion that encompasses the HBA1 and HBA2 genes. This variant has been identified in a compound heterozygous state in many patients with deletional and non-deletional forms of hemoglobin H (HbH) disease (Fucharoen & Viprakasit, 2009; Lal et al. 2011). HbH disease has a broad phenotypic spectrum. Although clinical features usually develop in infancy, it may not present until adulthood. The majority of affected individuals have enlargement of the spleen and less commonly of the liver, mild jaundice, and mild thalassemia-like bone changes. The SEA alpha(0)-thalassemia deletion variant, in a heterozygous state, is common in Southeast Asian populations and is present in control databases (MacDonald et al. 2013). In general, heterozygous carriers of the Southeast Asian alpha(0)-thalassemia variant are clinically asymptomatic, with microcytosis and mild anemia (Tamary & Dgany, 2005). Based on the collective evidence, this CNV is classified as pathogenic.

Literature cited by the submitters: PubMed 20008179; PubMed 20301608; PubMed 21345100; PubMed 24174537.

GRCh37/hg19 16p13.3(chr16:212275-234987)x1

Genes: HBA1 (hemoglobin subunit alpha 1; plus strand), HBA2 (hemoglobin subunit alpha 2; plus strand), HBM (hemoglobin subunit mu; plus strand), HBQ1 (hemoglobin subunit theta 1; plus strand). Cytogenetic location: 16p13.3.
Variant type: copy number loss.
Change: copy number 1 (one copy instead of two) of chr16:212,275-234,987 (22.7 kb, GRCh37 coordinates, 1-based), cytogenetic band 16p13.3.
Identifiers: ClinVar variation 1328438 (VCV001328438.4).